The following is an entry in ClinVar:

ClinVar aggregate classification (germline): Pathogenic/Likely pathogenic. Review status: criteria provided, multiple submitters, no conflicts (2 of 4 stars). 2 submissions from 2 submitters: Pathogenic (1); Likely pathogenic (1). Last evaluated 2025-09-29.

Conditions:
C9-related disorders.

Allele frequency attached by ClinVar (database versions not stated): gnomAD 0.00007; ESP Exome Variant Server 0.00008; gnomAD exomes 0.00008; TOPMed 0.00008; ExAC 0.00009; 1000 Genomes Project 30x 0.00016; 1000 Genomes Project 0.00020.

Submissions (2):

Labcorp Genetics (formerly Invitae), Labcorp
Classification: Pathogenic. Last evaluated: 2025-09-29. Review status: criteria provided, single submitter. Criteria: Invitae Variant Classification Sherloc (09022015). Collection method: clinical testing. Allele origin: germline.
Comment: This sequence change creates a premature translational stop signal (p.Arg86*) in the C9 gene. It is expected to result in an absent or disrupted protein product. Loss-of-function variants in C9 are known to be pathogenic (PMID: 9144525, 9570574). This variant is present in population databases (rs148881448, gnomAD 0.2%). This variant has not been reported in the literature in individuals affected with C9-related conditions. ClinVar contains an entry for this variant (Variation ID: 2057844). For these reasons, this variant has been classified as Pathogenic.

Blueprint Genetics
Classification: Likely pathogenic for C9-related disorders. Last evaluated: 2024-03-18. Review status: criteria provided, single submitter. Criteria: ACMG Guidelines, 2015. Collection method: clinical testing. Allele origin: germline. Affected: yes. Observed: 5 variant alleles.

Literature cited by the submitters: PubMed 9144525 (cited by Labcorp Genetics (formerly Invitae), Labcorp); PubMed 9570574 (cited by Labcorp Genetics (formerly Invitae), Labcorp).

NM_001737.5(C9):c.256C>T (p.Arg86Ter)

Gene: C9 (complement C9; minus strand). Cytogenetic location: 5p13.1.
Variant type: single nucleotide variant.
Coding change: c.256C>T on transcript NM_001737.5 (MANE Select); coding-DNA position 256, C replaced by T.
Protein change: p.Arg86Ter; replaces arginine 86 with a stop codon.
Molecular consequence: nonsense.
Genome position (GRCh38, 1-based): chr5:39,341,628, G>A on the plus strand (C>T on the coding strand, the complement: C9 is on the minus strand). VCF-style: chr5-39341628-G-A. GRCh37 (hg19) VCF-style: chr5-39341730-G-A.
Other names: short protein forms R86*.
Identifiers: ClinVar variation 2057844 (VCV002057844.5), dbSNP rs148881448, ClinGen allele CA3247080.
Genomic context (GRCh38, chr5:39,341,628, plus strand): 5'-GAAAGTCATTTCCGCAGTCATCCTCAGCATCCTCACAGGGCTCTGTGGGCACACACTGTC[G>A]TCTGTCTCCCACAGCGTCGGTGCATCTTTTCCCATTAAATTGTCCAAAGACCTCAATGCT-3'